The following is an entry in ClinVar:

NM_000057.4(BLM):c.2107G>C (p.Ala703Pro)

Gene: BLM (BLM RecQ like helicase; plus strand). Cytogenetic location: 15q26.1.
Variant type: single nucleotide variant.
Coding change: c.2107G>C on transcript NM_000057.4 (MANE Select); coding-DNA position 2107, G replaced by C.
Protein change: p.Ala703Pro; replaces alanine 703 with proline.
Molecular consequence: missense variant.
Genome position (GRCh38, 1-based): chr15:90,765,328, G>C. VCF-style: chr15-90765328-G-C. GRCh37 (hg19) VCF-style: chr15-91308558-G-C.
Other names: c.2107G>C, p.Ala703Pro (NM_001287246.2, NM_001287247.2); c.982G>C, p.Ala328Pro (NM_001287248.2); short protein forms A328P, A703P.
Identifiers: ClinVar variation 3991664 (VCV003991664.1).

ClinVar aggregate classification (germline): Uncertain significance (1 of 4 stars; one submission).

Conditions:
Hereditary cancer-predisposing syndrome. Also called: Tumor predisposition; Hereditary neoplastic syndrome; Neoplastic Syndromes, Hereditary; Hereditary Cancer Syndrome. Identifiers: Orphanet 140162, MedGen C0027672, MeSH D009386, MONDO:0015356.

gnomAD v4.1: 1 of 1,613,516 alleles (0.000062%); highest among the groups gnomAD compares: Non-Finnish European, 0.000085%; no homozygotes.

Submission:

Ambry Genetics
Classification: Uncertain significance for Hereditary cancer-predisposing syndrome. Last evaluated: 2025-05-09. Review status: criteria provided, single submitter. Criteria: Ambry Variant Classification Scheme 2023. Collection method: clinical testing. Allele origin: germline.
Comment: The p.A703P variant (also known as c.2107G>C), located in coding exon 8 of the BLM gene, results from a G to C substitution at nucleotide position 2107. The alanine at codon 703 is replaced by proline, an amino acid with highly similar properties. This amino acid position is conserved. In addition, the in silico prediction for this alteration is inconclusive. Based on the available evidence, the clinical significance of this variant remains unclear.